The following is an entry in ClinVar:

NM_015046.7(SETX):c.1178T>C (p.Leu393Pro)

Gene: SETX (senataxin; minus strand). Cytogenetic location: 9q34.13.
Variant type: single nucleotide variant.
Coding change: c.1178T>C on transcript NM_015046.7 (MANE Select); coding-DNA position 1178, T replaced by C.
Protein change: p.Leu393Pro; replaces leucine 393 with proline.
Molecular consequence: missense variant.
Genome position (GRCh38, 1-based): chr9:132,330,420, A>G on the plus strand (T>C on the coding strand, the complement: SETX is on the minus strand). VCF-style: chr9-132330420-A-G. GRCh37 (hg19) VCF-style: chr9-135205807-A-G.
Other names: c.1178T>C, p.Leu393Pro (NM_001351527.2, NM_001351528.2); short protein forms L393P.
Identifiers: ClinVar variation 2616016 (VCV002616016.3), dbSNP rs2539136381, ClinGen allele CA375345303.

ClinVar aggregate classification (germline): Uncertain significance. Review status: criteria provided, multiple submitters, no conflicts (2 of 4 stars). 2 submissions from 2 submitters: Uncertain significance (2). Last evaluated 2024-01-22.

Conditions:
Inborn genetic diseases. Identifiers: MedGen C0950123, MeSH D030342.
Amyotrophic lateral sclerosis type 4 (ALS4). Also called: AMYOTROPHIC LATERAL SCLEROSIS 4, JUVENILE; NEURONOPATHY, DISTAL HEREDITARY MOTOR, WITH PYRAMIDAL FEATURES. Identifiers: Orphanet 357043, MedGen C1865409, MONDO:0011223, OMIM 602433.

Submissions (2):

3billion
Classification: Uncertain significance for Amyotrophic lateral sclerosis type 4. Last evaluated: 2024-01-22. Review status: criteria provided, single submitter. Criteria: ACMG Guidelines, 2015. Collection method: clinical testing. Allele origin: germline. Affected: yes.
Comment: The variant is not observed in the gnomAD v2.1.1 dataset. Predicted Consequence/Location: Missense variant In silico tool predictions suggest damaging effect of the variant on gene or gene product [REVEL: 0.82 (>=0.6, sensitivity 0.68 and specificity 0.92); 3Cnet: 0.96 (>=0.6, sensitivity 0.72 and precision 0.9)]. Therefore, this variant is classified as VUS according to the recommendation of ACMG/AMP guideline.

Ambry Genetics
Classification: Uncertain significance for Inborn genetic diseases. Last evaluated: 2023-08-14. Review status: criteria provided, single submitter. Criteria: Ambry Variant Classification Scheme 2023. Collection method: clinical testing. Allele origin: germline.

Literature cited by the submitters: PubMed 35896380 (cited by Ambry Genetics).